The following is an entry in ClinVar:

ClinVar aggregate classification (germline): Uncertain significance. Review status: criteria provided, multiple submitters, no conflicts (2 of 4 stars). 2 submissions from 2 submitters: Uncertain significance (2). Last evaluated 2022-03-26.

Conditions:
Hereditary cancer-predisposing syndrome. Also called: Hereditary Cancer Syndrome; Hereditary neoplastic syndrome; Neoplastic Syndromes, Hereditary; Tumor predisposition. Identifiers: Orphanet 140162, MedGen C0027672, MeSH D009386, MONDO:0015356.

Submissions (2):

Labcorp Genetics (formerly Invitae), Labcorp
Classification: Uncertain significance. Last evaluated: 2022-03-26. Review status: criteria provided, single submitter. Criteria: Invitae Variant Classification Sherloc (09022015). Collection method: clinical testing. Allele origin: germline.
Comment: Algorithms developed to predict the effect of missense changes on protein structure and function are either unavailable or do not agree on the potential impact of this missense change (SIFT: "Deleterious"; PolyPhen-2: "Benign"; Align-GVGD: "Class C0"). In summary, the available evidence is currently insufficient to determine the role of this variant in disease. Therefore, it has been classified as a Variant of Uncertain Significance. This variant is not present in population databases (gnomAD no frequency). This sequence change replaces arginine, which is basic and polar, with glycine, which is neutral and non-polar, at codon 52 of the CTNNA1 protein (p.Arg52Gly). This variant has not been reported in the literature in individuals affected with CTNNA1-related conditions.

Ambry Genetics
Classification: Uncertain significance for Hereditary cancer-predisposing syndrome. Last evaluated: 2022-03-02. Review status: criteria provided, single submitter. Criteria: Ambry Variant Classification Scheme 2023. Collection method: clinical testing. Allele origin: germline.
Comment: The p.R52G variant (also known as c.154A>G), located in coding exon 2 of the CTNNA1 gene, results from an A to G substitution at nucleotide position 154. The arginine at codon 52 is replaced by glycine, an amino acid with dissimilar properties. This amino acid position is conserved. In addition, this alteration is predicted to be tolerated by in silico analysis. Since supporting evidence is limited at this time, the clinical significance of this alteration remains unclear.

NM_001903.5(CTNNA1):c.154A>G (p.Arg52Gly)

Gene: CTNNA1 (catenin alpha 1; plus strand). Cytogenetic location: 5q31.2.
Variant type: single nucleotide variant.
Coding change: c.154A>G on transcript NM_001903.5 (MANE Select); coding-DNA position 154, A replaced by G.
Protein change: p.Arg52Gly; replaces arginine 52 with glycine.
Molecular consequence: missense variant. On other transcripts: 5 prime UTR variant (1), intron variant (1).
Genome position (GRCh38, 1-based): chr5:138,783,225, A>G. VCF-style: chr5-138783225-A-G. GRCh37 (hg19) VCF-style: chr5-138118914-A-G.
Other names: c.154A>G, p.Arg52Gly (NM_001290307.3, NM_001323982.2, NM_001323983.1 and 3 more transcripts); c.-53A>G (NM_001290310.3); c.-9+1196A>G (NM_001290309.3); short protein forms R52G.
Identifiers: ClinVar variation 1775005 (VCV001775005.7), dbSNP rs2532178209, ClinGen allele CA361477364.